The following is an entry in ClinVar:

ClinVar aggregate classification (germline): Conflicting classifications of pathogenicity. Review status: criteria provided, conflicting classifications (1 of 4 stars). 3 submissions from 3 submitters: Uncertain significance (2); Likely benign (1). Last evaluated 2024-10-21.

Allele frequency attached by ClinVar (database versions not stated): TOPMed 0.00011; gnomAD 0.00014.
gnomAD v4.1: 183 of 1,612,076 alleles (0.011%); highest among the groups gnomAD compares: Non-Finnish European, 0.015%; no homozygotes.

Submissions (3):

Labcorp Genetics (formerly Invitae), Labcorp
Classification: Uncertain significance. Last evaluated: 2024-10-21. Review status: criteria provided, single submitter. Criteria: Invitae Variant Classification Sherloc (09022015). Collection method: clinical testing. Allele origin: germline.
Comment: This sequence change replaces aspartic acid, which is acidic and polar, with histidine, which is basic and polar, at codon 908 of the PITRM1 protein (p.Asp908His). This variant is present in population databases (rs758352717, gnomAD 0.02%). This variant has not been reported in the literature in individuals affected with PITRM1-related conditions. ClinVar contains an entry for this variant (Variation ID: 1435139). An algorithm developed to predict the effect of missense changes on protein structure and function outputs the following: PolyPhen-2: "Benign". The histidine amino acid residue is found in multiple mammalian species, which suggests that this missense change does not adversely affect protein function. In summary, the available evidence is currently insufficient to determine the role of this variant in disease. Therefore, it has been classified as a Variant of Uncertain Significance.

Blueprint Genetics
Classification: Likely benign. Last evaluated: 2024-10-03. Review status: criteria provided, single submitter. Criteria: ACMG Guidelines, 2015. Collection method: clinical testing. Allele origin: germline.

Ambry Genetics
Classification: Uncertain significance. Last evaluated: 2021-10-12. Review status: criteria provided, single submitter. Criteria: Ambry Variant Classification Scheme 2023. Collection method: clinical testing. Allele origin: germline.

NM_014889.4(PITRM1):c.3016G>C (p.Asp1006His)

Gene: PITRM1 (pitrilysin metallopeptidase 1; minus strand). Cytogenetic location: 10p15.2.
Variant type: single nucleotide variant.
Coding change: c.3016G>C on transcript NM_014889.4 (MANE Select); coding-DNA position 3016, G replaced by C.
Protein change: p.Asp1006His; replaces aspartic acid 1006 with histidine.
Molecular consequence: missense variant. On other transcripts: non-coding transcript variant (4).
Genome position (GRCh38, 1-based): chr10:3,138,239, C>G on the plus strand (G>C on the coding strand, the complement: PITRM1 is on the minus strand). VCF-style: chr10-3138239-C-G. GRCh37 (hg19) VCF-style: chr10-3180431-C-G.
Other names: c.3019G>C, p.Asp1007His (NM_001242307.2); c.2722G>C, p.Asp908His (NM_001242309.1); c.2818G>C, p.Asp940His (NM_001347725.2); c.2203G>C, p.Asp735His (NM_001347726.2); c.2401G>C, p.Asp801His (NM_001347727.2); c.1711G>C, p.Asp571His (NM_001347728.2); c.2992G>C, p.Asp998His (NM_001347729.1); c.2794G>C, p.Asp932His (NM_001347730.1); and 1 more; short protein forms D735H, D940H, D1006H, D908H, D571H, D801H, D932H, D1007H.
Identifiers: ClinVar variation 1435139 (VCV001435139.6), dbSNP rs758352717, ClinGen allele CA5387072.
Genomic context (GRCh38, chr10:3,138,239, plus strand): 5'-AGAGTCAGCACGAGGGCTTCCAGTCCCAGACGCTGTCTCCCCCGCTCCCCACTCACCTAT[C>G]GCTCACGGCCAGGAGCTTGTCGTGGCTGACAGCAAAGAGCTGCTCTCTGTGGGCCTGCTT-3'
Protein context (NP_055704.2, residues 996-1016): VSHDKLLAVS[Asp1006His]RYLGTGKSTH